The following is an entry in ClinVar:

NM_000069.3(CACNA1S):c.3757G>C (p.Val1253Leu)

Gene: CACNA1S (calcium voltage-gated channel subunit alpha1 S; minus strand). Cytogenetic location: 1q32.1.
Variant type: single nucleotide variant.
Coding change: c.3757G>C on transcript NM_000069.3 (MANE Select); coding-DNA position 3757, G replaced by C.
Protein change: p.Val1253Leu; replaces valine 1253 with leucine.
Molecular consequence: missense variant.
Genome position (GRCh38, 1-based): chr1:201,053,497, C>G on the plus strand (G>C on the coding strand, the complement: CACNA1S is on the minus strand). VCF-style: chr1-201053497-C-G. GRCh37 (hg19) VCF-style: chr1-201022625-C-G.
Other names: c.3757G>C (NM_000069.2); short protein forms V1253L.
Identifiers: ClinVar variation 1923925 (VCV001923925.7), dbSNP rs1660730259, ClinGen allele CA344154407.

ClinVar aggregate classification (germline): Uncertain significance. Review status: criteria provided, multiple submitters, no conflicts (2 of 4 stars). 3 submissions from 3 submitters: Uncertain significance (3). Last evaluated 2025-02-25.

Conditions:
Hypokalemic periodic paralysis, type 1. Also called: Hypokalemic Periodic Paralysis Type 1 (AD); HypoPP. Identifiers: Orphanet 681, MedGen C3714580, MONDO:0042979, OMIM 170400.
Malignant hyperthermia, susceptibility to, 5 (MHS5). Also called: CACNA1S-Related Malignant Hyperthermia Susceptibility. Identifiers: Orphanet 423, MedGen C1866077, MONDO:0011163, OMIM 601887.
Congenital myopathy 18. Also called: Myopathy, congenital, due to dihydropyridine receptor defect; DIHYDROPYRIDINE RECEPTOR CONGENITAL MYOPATHY; DHPR CONGENITAL MYOPATHY. Identifiers: MedGen C5830283, MONDO:0859514, OMIM 620246.
Thyrotoxic periodic paralysis, susceptibility to, 1 (TTPP1). Identifiers: Orphanet 79102, MedGen C2749982, MONDO:0008570, OMIM 188580.

Allele frequency attached by ClinVar (database versions not stated): TOPMed below 0.00001.

Submissions (3):

Labcorp Genetics (formerly Invitae), Labcorp
Classification: Uncertain significance for Hypokalemic periodic paralysis, type 1; Malignant hyperthermia, susceptibility to, 5. Last evaluated: 2025-02-25. Review status: criteria provided, single submitter. Criteria: Invitae Variant Classification Sherloc (09022015). Collection method: clinical testing. Allele origin: germline.
Comment: This sequence change replaces valine, which is neutral and non-polar, with leucine, which is neutral and non-polar, at codon 1253 of the CACNA1S protein (p.Val1253Leu). This variant is not present in population databases (gnomAD no frequency). This variant has not been reported in the literature in individuals affected with CACNA1S-related conditions. ClinVar contains an entry for this variant (Variation ID: 1923925). Invitae Evidence Modeling of protein sequence and biophysical properties (such as structural, functional, and spatial information, amino acid conservation, physicochemical variation, residue mobility, and thermodynamic stability) indicates that this missense variant is not expected to disrupt CACNA1S protein function with a negative predictive value of 95%. In summary, the available evidence is currently insufficient to determine the role of this variant in disease. Therefore, it has been classified as a Variant of Uncertain Significance.

GeneDx
Classification: Uncertain significance. Last evaluated: 2025-01-08. Review status: criteria provided, single submitter. Criteria: GeneDx Variant Classification Process June 2021. Collection method: clinical testing. Allele origin: germline. Affected: yes.
Comment: Not observed at significant frequency in large population cohorts (gnomAD); In silico analysis indicates that this missense variant does not alter protein structure/function; Has not been previously published as pathogenic or benign to our knowledge

Fulgent Genetics
Classification: Uncertain significance for Hypokalemic periodic paralysis, type 1; Thyrotoxic periodic paralysis, susceptibility to, 1; Malignant hyperthermia, susceptibility to, 5; Congenital myopathy 18. Last evaluated: 2024-03-15. Review status: criteria provided, single submitter. Criteria: ACMG Guidelines, 2015. Collection method: clinical testing. Allele origin: germline.